The following is an entry in ClinVar:

NM_014870.4(ZBTB40):c.3299-10T>A

Gene: ZBTB40 (zinc finger and BTB domain containing 40; plus strand). Cytogenetic location: 1p36.12.
Variant type: single nucleotide variant.
Coding change: c.3299-10T>A on transcript NM_014870.4 (MANE Select); 10 bases into the intron before coding-DNA position 3299, T replaced by A.
Molecular consequence: intron variant.
Genome position (GRCh38, 1-based): chr1:22,524,208, T>A. VCF-style: chr1-22524208-T-A. GRCh37 (hg19) VCF-style: chr1-22850701-T-A.
Other names: NC_000001.10:g.22850701T>A; c.3299-10T>A (NM_001083621.2); c.2963-10T>A (NM_001330398.2).
Identifiers: ClinVar variation 3058048 (VCV003058048.3), dbSNP rs374282664, ClinGen allele CA676394.

ClinVar aggregate classification (germline): Likely benign (0 of 4 stars; one submission).

Conditions:
ZBTB40-related disorder. Also called: ZBTB40-related condition.

Allele frequency attached by ClinVar (database versions not stated): gnomAD exomes 0.00005; ExAC 0.00014; gnomAD 0.00038; TOPMed 0.00043; 1000 Genomes Project 0.00060; 1000 Genomes Project 30x 0.00062; ESP Exome Variant Server 0.00069.
gnomAD v4.1: 130 of 1,614,036 alleles (0.0081%); highest among the groups gnomAD compares: African/African-American, 0.16%; no homozygotes.

Submissions (2):

PreventionGenetics, part of Exact Sciences
Classification: Likely benign for ZBTB40-related condition. Last evaluated: 2019-04-02. Review status: no assertion criteria provided. Collection method: clinical testing. Allele origin: germline.
Comment: This variant is classified as likely benign based on ACMG/AMP sequence variant interpretation guidelines (Richards et al. 2015 PMID: 25741868, with internal and published modifications).

Dr. Peter K. Rogan Lab, Western University
No classification provided (evidence only). Condition: Acute myeloid leukemia. Review status: no classification provided. Collection method: in vitro. Allele origin: not applicable. Functional consequence: retained intron. Not counted in ClinVar's aggregate classification.